The following is an entry in ClinVar:

NM_001371596.2(MFSD8):c.748G>C (p.Glu250Gln)

Gene: MFSD8 (major facilitator superfamily domain containing 8; minus strand). Cytogenetic location: 4q28.2.
Variant type: single nucleotide variant.
Coding change: c.748G>C on transcript NM_001371596.2 (MANE Select); coding-DNA position 748, G replaced by C.
Protein change: p.Glu250Gln; replaces glutamic acid 250 with glutamine.
Molecular consequence: missense variant. On other transcripts: intron variant (3).
Genome position (GRCh38, 1-based): chr4:127,938,789, C>G on the plus strand (G>C on the coding strand, the complement: MFSD8 is on the minus strand). VCF-style: chr4-127938789-C-G. GRCh37 (hg19) VCF-style: chr4-128859944-C-G.
Other names: c.613G>C, p.Glu205Gln (NM_001371590.2); c.748G>C, p.Glu250Gln (NM_001371591.2, NM_152778.4); c.754G>C, p.Glu252Gln (NM_001371592.2); c.634G>C, p.Glu212Gln (NM_001371593.2, NM_001410766.1); c.601G>C, p.Glu201Gln (NM_001371594.2); c.466G>C, p.Glu156Gln (NM_001371595.1); c.304+4963G>C (NM_001410765.1); c.439+4963G>C (NM_001363521.3); and 1 more; short protein forms E156Q, E250Q, E201Q, E212Q, E205Q, E252Q.
Identifiers: ClinVar variation 1961225 (VCV001961225.2), dbSNP rs2546127038, ClinGen allele CA358175178.

ClinVar aggregate classification (germline): Uncertain significance (1 of 4 stars; one submission).

Conditions:
Neuronal ceroid lipofuscinosis 7 (CLN7). Also called: MFSD8-Related Neuronal Ceroid-Lipofuscinosis. Identifiers: Orphanet 168491, Orphanet 228366, MedGen C1838571, MONDO:0012588, OMIM 610951.

Submission:

Labcorp Genetics (formerly Invitae), Labcorp
Classification: Uncertain significance for Neuronal ceroid lipofuscinosis 7. Last evaluated: 2022-05-21. Review status: criteria provided, single submitter. Criteria: Invitae Variant Classification Sherloc (09022015). Collection method: clinical testing. Allele origin: germline.
Comment: This sequence change replaces glutamic acid, which is acidic and polar, with glutamine, which is neutral and polar, at codon 250 of the MFSD8 protein (p.Glu250Gln). This variant is not present in population databases (gnomAD no frequency). This variant has not been reported in the literature in individuals affected with MFSD8-related conditions. Algorithms developed to predict the effect of missense changes on protein structure and function output the following: SIFT: "Tolerated"; PolyPhen-2: "Benign"; Align-GVGD: "Class C0". The glutamine amino acid residue is found in multiple mammalian species, which suggests that this missense change does not adversely affect protein function. In summary, the available evidence is currently insufficient to determine the role of this variant in disease. Therefore, it has been classified as a Variant of Uncertain Significance.